The following is an entry in ClinVar:

NM_020937.4(FANCM):c.5444G>A (p.Gly1815Glu)

Gene: FANCM (FA complementation group M; plus strand). Cytogenetic location: 14q21.2.
Variant type: single nucleotide variant.
Coding change: c.5444G>A on transcript NM_020937.4 (MANE Select); coding-DNA position 5444, G replaced by A.
Protein change: p.Gly1815Glu; replaces glycine 1815 with glutamic acid.
Molecular consequence: missense variant.
Genome position (GRCh38, 1-based): chr14:45,196,275, G>A. VCF-style: chr14-45196275-G-A. GRCh37 (hg19) VCF-style: chr14-45665478-G-A.
Other names: c.5366G>A, p.Gly1789Glu (NM_001308133.2); short protein forms G1789E, G1815E.
Identifiers: ClinVar variation 2115502 (VCV002115502.4), dbSNP rs2503269554, ClinGen allele CA389585857.

ClinVar aggregate classification (germline): Uncertain significance (1 of 4 stars; one submission).

Conditions:
Fanconi anemia (FA). Also called: Fanconi's anemia. Identifiers: Orphanet 84, MedGen C0015625, MeSH D005199, MONDO:0019391.

Submission:

Labcorp Genetics (formerly Invitae), Labcorp
Classification: Uncertain significance for Fanconi anemia. Last evaluated: 2022-03-21. Review status: criteria provided, single submitter. Criteria: Invitae Variant Classification Sherloc (09022015). Collection method: clinical testing. Allele origin: germline.
Comment: This sequence change replaces glycine, which is neutral and non-polar, with glutamic acid, which is acidic and polar, at codon 1815 of the FANCM protein (p.Gly1815Glu). This variant has not been reported in the literature in individuals affected with FANCM-related conditions. This variant is not present in population databases (gnomAD no frequency). In summary, the available evidence is currently insufficient to determine the role of this variant in disease. Therefore, it has been classified as a Variant of Uncertain Significance. Algorithms developed to predict the effect of missense changes on protein structure and function output the following: SIFT: "Tolerated"; PolyPhen-2: "Benign"; Align-GVGD: "Class C0". The glutamic acid amino acid residue is found in multiple mammalian species, which suggests that this missense change does not adversely affect protein function.